The following is an entry in ClinVar:

ClinVar aggregate classification (germline): Uncertain significance. Review status: criteria provided, multiple submitters, no conflicts (2 of 4 stars). 2 submissions from 2 submitters: Uncertain significance (2). Last evaluated 2025-10-14.

Conditions:
Hereditary cancer-predisposing syndrome. Also called: Tumor predisposition; Hereditary neoplastic syndrome; Neoplastic Syndromes, Hereditary; Hereditary Cancer Syndrome. Identifiers: Orphanet 140162, MedGen C0027672, MeSH D009386, MONDO:0015356.
Birt-Hogg-Dube syndrome 1 (BHD1). Also called: FIBROFOLLICULOMAS WITH TRICHODISCOMAS AND ACROCHORDONS. Identifiers: Orphanet 122, MedGen CN375946, MONDO:0800445, OMIM 135150.

Submissions (2):

Ambry Genetics
Classification: Uncertain significance for Hereditary cancer-predisposing syndrome. Last evaluated: 2025-10-14. Review status: criteria provided, single submitter. Criteria: Ambry Variant Classification Scheme 2023. Collection method: clinical testing. Allele origin: germline.
Comment: The p.H61Q variant (also known as c.183C>A), located in coding exon 1 of the FLCN gene, results from a C to A substitution at nucleotide position 183. The histidine at codon 61 is replaced by glutamine, an amino acid with highly similar properties. This amino acid position is conserved. In addition, the in silico prediction for this alteration is inconclusive. Based on the available evidence, the clinical significance of this variant remains unclear.

St. Jude Molecular Pathology, St. Jude Children's Research Hospital
Classification: Uncertain significance for Birt-Hogg-Dube syndrome 1. Last evaluated: 2024-07-18. Review status: criteria provided, single submitter. Criteria: St. Jude Assertion Criteria 2020. Collection method: clinical testing. Allele origin: germline.
Comment: The FLCN c.183C>A (p.His61Gln) missense change is absent in gnomAD v2.1.1. The in silico tool REVEL is inconclusive about a pathogenic or benign effect of this variant on protein function, and to our knowledge functional studies have not been performed. To our knowledge, this variant has not been reported in individuals with Birt-Hogg-Dubé syndrome. In summary, the evidence currently available is insufficient to determine the clinical significance of this variant. It has therefore been classified as of uncertain significance.

NM_144997.7(FLCN):c.183C>A (p.His61Gln)

Gene: FLCN (folliculin; minus strand). Cytogenetic location: 17p11.2.
Variant type: single nucleotide variant.
Coding change: c.183C>A on transcript NM_144997.7 (MANE Select); coding-DNA position 183, C replaced by A.
Protein change: p.His61Gln; replaces histidine 61 with glutamine.
Molecular consequence: missense variant.
Genome position (GRCh38, 1-based): chr17:17,227,955, G>T on the plus strand (C>A on the coding strand, the complement: FLCN is on the minus strand). VCF-style: chr17-17227955-G-T. GRCh37 (hg19) VCF-style: chr17-17131269-G-T.
Other names: c.183C>A, p.His61Gln (NM_001353229.2, NM_001353230.2, NM_001353231.2 and 1 more transcripts); short protein forms H61Q.
Identifiers: ClinVar variation 3602666 (VCV003602666.2).